The following is an entry in ClinVar:

NM_000719.7(CACNA1C):c.1823C>T (p.Thr608Ile)

Gene: CACNA1C (calcium voltage-gated channel subunit alpha1 C; plus strand). Cytogenetic location: 12p13.33.
Variant type: single nucleotide variant.
Coding change: c.1823C>T on transcript NM_000719.7 (MANE Select); coding-DNA position 1823, C replaced by T.
Protein change: p.Thr608Ile; replaces threonine 608 with isoleucine.
Molecular consequence: missense variant.
Genome position (GRCh38, 1-based): chr12:2,567,722, C>T. VCF-style: chr12-2567722-C-T. GRCh37 (hg19) VCF-style: chr12-2676888-C-T.
Other names: p.T608I:ACC>ATC; c.1823C>T, p.Thr608Ile (NM_001129827.2, NM_001129829.2, NM_001129830.3 and 18 more transcripts); c.1814C>T, p.Thr605Ile (NM_001129844.2); short protein forms T608I, T605I.
Identifiers: ClinVar variation 190645 (VCV000190645.11), dbSNP rs757507674, ClinGen allele CA301332.

ClinVar aggregate classification (germline): Uncertain significance. Review status: criteria provided, multiple submitters, no conflicts (2 of 4 stars). 3 submissions from 3 submitters: Uncertain significance (3). Last evaluated 2025-03-03.

Conditions:
Cardiovascular phenotype. Identifiers: MedGen CN230736.
Long QT syndrome (LQTS). Identifiers: MedGen C0023976, MeSH D008133, MONDO:0002442. Disease mechanism: loss of function. Inheritance: Various modes of inheritance.

Allele frequency attached by ClinVar (database versions not stated): TOPMed 0.00001; gnomAD 0.00003.
gnomAD v4.1: 29 of 1,613,732 alleles (0.0018%); highest among the groups gnomAD compares: Non-Finnish European, 0.0025%; no homozygotes.

Submissions (3):

Labcorp Genetics (formerly Invitae), Labcorp
Classification: Uncertain significance for Long QT syndrome. Last evaluated: 2025-03-03. Review status: criteria provided, single submitter. Criteria: Invitae Variant Classification Sherloc (09022015). Collection method: clinical testing. Allele origin: germline.
Comment: This sequence change replaces threonine, which is neutral and polar, with isoleucine, which is neutral and non-polar, at codon 608 of the CACNA1C protein (p.Thr608Ile). This variant is present in population databases (rs757507674, gnomAD 0.002%). This variant has not been reported in the literature in individuals affected with CACNA1C-related conditions. ClinVar contains an entry for this variant (Variation ID: 190645). Invitae Evidence Modeling of protein sequence and biophysical properties (such as structural, functional, and spatial information, amino acid conservation, physicochemical variation, residue mobility, and thermodynamic stability) indicates that this missense variant is not expected to disrupt CACNA1C protein function with a negative predictive value of 80%. In summary, the available evidence is currently insufficient to determine the role of this variant in disease. Therefore, it has been classified as a Variant of Uncertain Significance.

Ambry Genetics
Classification: Uncertain significance for Cardiovascular phenotype. Last evaluated: 2022-09-22. Review status: criteria provided, single submitter. Criteria: Ambry Variant Classification Scheme 2023. Collection method: clinical testing. Allele origin: germline.
Comment: The p.T608I variant (also known as c.1823C>T), located in coding exon 13 of the CACNA1C gene, results from a C to T substitution at nucleotide position 1823. The threonine at codon 608 is replaced by isoleucine, an amino acid with similar properties. Based on data from gnomAD, the frequency for this variant is above the maximum credible frequency for a cardiac disease-causing variant in this gene based on internally established thresholds (Karczewski et al. Nature. 2020 May;581(7809):434-443; Whiffin et al. Genet Med. 2017 10;19:1151-1158). This amino acid position is well conserved in available vertebrate species. In addition, this alteration is predicted to be deleterious by in silico analysis. Based on the supporting evidence, the association of this alteration with CACNA1C-related neurodevelopmental disorder is unknown; however, the association of this alteration with CACNA1C-related long QT syndrome or Timothy syndrome is unlikely.

GeneDx
Classification: Uncertain significance. Last evaluated: 2019-06-27. Review status: criteria provided, single submitter. Criteria: GeneDx Variant Classification Process June 2021. Collection method: clinical testing. Allele origin: germline. Affected: yes.
Comment: Has not been previously published as pathogenic or benign to our knowledge; Not observed at a significant frequency in large population cohorts (Lek et al., 2016); Reported in ClinVar (ClinVar Variant ID# 190645; Landrum et al., 2016); In silico analysis, which includes protein predictors and evolutionary conservation, supports that this variant does not alter protein structure/function